The following is an entry in ClinVar:

NM_001048174.2(MUTYH):c.754C>A (p.Gln252Lys)

Gene: MUTYH (mutY DNA glycosylase; minus strand). Cytogenetic location: 1p34.1.
Variant type: single nucleotide variant.
Coding change: c.754C>A on transcript NM_001048174.2 (MANE Select); coding-DNA position 754, C replaced by A.
Protein change: p.Gln252Lys; replaces glutamine 252 with lysine.
Molecular consequence: missense variant. On other transcripts: non-coding transcript variant (7).
Genome position (GRCh38, 1-based): chr1:45,332,261, G>T on the plus strand (C>A on the coding strand, the complement: MUTYH is on the minus strand). VCF-style: chr1-45332261-G-T. GRCh37 (hg19) VCF-style: chr1-45797933-G-T.
Other names: c.754C>A, p.Gln252Lys (NM_001048171.2, NM_001048173.2, NM_001293195.2 and 6 more transcripts); c.757C>A, p.Gln253Lys (NM_001048172.2, NM_001407071.1, NM_001407078.1 and 1 more transcripts); c.838C>A, p.Gln280Lys (NM_001128425.2); c.799C>A, p.Gln267Lys (NM_001293190.2); c.787C>A, p.Gln263Lys (NM_001293191.2, NM_001407069.1, NM_001407077.1); c.478C>A, p.Gln160Lys (NM_001293192.2, NM_001293196.2, NM_001407091.1); c.409C>A, p.Gln137Lys (NM_001350650.2, NM_001350651.2, NM_001407082.1); c.670C>A, p.Gln224Lys (NM_001407075.1); and 5 more; short protein forms Q137K, Q160K, Q224K, Q238K, Q239K, Q252K, Q253K, Q259K.
Identifiers: ClinVar variation 4756212 (VCV004756212.1).
Genomic context (GRCh38, chr1:45,332,261, plus strand): 5'-ACTGGCTGCACAGTGGGCGCTGTGGGGTACACACTGTGGCCCCTAGCTCCATGGCTGCTT[G>T]GTTGAAATCTCCTGGCCGGGCTGGGTCCACCAGCTGCTGGGCTAGACCCCTAAAAGAAGG-3'
Protein context (NP_001041639.1, residues 242-262): VDPARPGDFN[Gln252Lys]AAMELGATVC

ClinVar aggregate classification (germline): Uncertain significance (1 of 4 stars; one submission).

Conditions:
Hereditary cancer-predisposing syndrome. Also called: Tumor predisposition; Hereditary Cancer Syndrome; Neoplastic Syndromes, Hereditary; Hereditary neoplastic syndrome. Identifiers: Orphanet 140162, MedGen C0027672, MeSH D009386, MONDO:0015356.

Submission:

Color Diagnostics, LLC DBA Color Health
Classification: Uncertain significance for Hereditary cancer-predisposing syndrome. Last evaluated: 2025-09-02. Review status: criteria provided, single submitter. Criteria: ACMG Guidelines, 2015. Collection method: clinical testing. Allele origin: germline.
Comment: This missense variant replaces glutamine with lysine at codon 280 of the MUTYH protein. Computational prediction suggests that this variant may have deleterious impact on protein structure and function. To our knowledge, functional studies have not been reported for this variant. This variant has not been reported in individuals affected with MUTYH-related disorders in the literature. This variant has not been identified in the general population by the Genome Aggregation Database (gnomAD). The available evidence is insufficient to determine the role of this variant in disease conclusively. Therefore, this variant is classified as a Variant of Uncertain Significance.